The following is an entry in ClinVar:

NC_000022.10:g.(?_21335906)_(21346541_?)del

Gene: LZTR1 (leucine zipper like post translational regulator 1; plus strand). Cytogenetic location: 22q11.21.
Variant type: Deletion.
Identifiers: ClinVar variation 1456233 (VCV001456233.4).

ClinVar aggregate classification (germline): Pathogenic (1 of 4 stars; one submission).

Submission:

Labcorp Genetics (formerly Invitae), Labcorp
Classification: Pathogenic. Last evaluated: 2023-03-21. Review status: criteria provided, single submitter. Criteria: Invitae Variant Classification Sherloc (09022015). Collection method: clinical testing. Allele origin: germline.
Comment: For these reasons, this variant has been classified as Pathogenic. This variant has not been reported in the literature in individuals affected with LZTR1-related conditions. This variant results in the deletion of exons 1-9 and part of exon 10 (c.-752_1035del) of the LZTR1 gene. It is expected to result in an absent or disrupted protein product. Loss-of-function variants in LZTR1 are known to be pathogenic (PMID: 24362817, 25335493, 25480913, 25795793, 29469822, 30368668, 30442762, 30442766, 30481304, 30859559).

Literature cited by the submitters: PubMed 24362817; PubMed 25335493; PubMed 25480913; PubMed 25795793; PubMed 29469822; PubMed 30368668; PubMed 30442762; PubMed 30442766; PubMed 30481304; PubMed 30859559.